The following is an entry in ClinVar:

NM_001278116.2(L1CAM):c.3400C>T (p.Leu1134Phe)

Gene: L1CAM (L1 cell adhesion molecule; minus strand). Cytogenetic location: Xq28.
Variant type: single nucleotide variant.
Coding change: c.3400C>T on transcript NM_001278116.2 (MANE Select); coding-DNA position 3400, C replaced by T.
Protein change: p.Leu1134Phe; replaces leucine 1134 with phenylalanine.
Molecular consequence: missense variant.
Genome position (GRCh38, 1-based): chrX:153,863,940, G>A on the plus strand (C>T on the coding strand, the complement: L1CAM is on the minus strand). VCF-style: chrX-153863940-G-A. GRCh37 (hg19) VCF-style: chrX-153129395-G-A.
Other names: c.3400C>T, p.Leu1134Phe (NM_000425.5, NM_024003.3); c.3385C>T, p.Leu1129Phe (NM_001143963.2); short protein forms L1129F, L1134F.
Identifiers: ClinVar variation 5001187 (VCV005001187.1).

ClinVar aggregate classification (germline): Uncertain significance (1 of 4 stars; one submission).

Conditions:
L1CAM-related disorder. Also called: L1CAM-related condition.

Submission:

PreventionGenetics, part of Exact Sciences
Classification: Uncertain significance for L1CAM-related condition. Last evaluated: 2026-09-08. Review status: criteria provided, single submitter. Criteria: ACMG Guidelines, 2015. Collection method: clinical testing. Allele origin: germline.
Comment: The L1CAM c.3400C>T variant is predicted to result in the amino acid substitution p.Leu1134Phe. To our knowledge, this variant has not been reported in the literature or in a large population database (gnomAD), indicating this variant is rare. At this time, the clinical significance of this variant is uncertain due to the absence of conclusive functional and genetic evidence.